The following is an entry in ClinVar:

ClinVar aggregate classification (germline): Benign (0 of 4 stars; one submission).

Conditions:
CARD10-related disorder. Also called: CARD10-related condition.

Allele frequency attached by ClinVar (database versions not stated): gnomAD exomes 0.04291; ExAC 0.05698; 1000 Genomes Project 0.05891; 1000 Genomes Project 30x 0.06246; gnomAD 0.07315; ESP Exome Variant Server 0.07422; TOPMed 0.08109.
gnomAD v4.1: 71,585 of 1,556,450 alleles (4.6%); highest among the groups gnomAD compares: African/African-American, 17%; 2,419 homozygotes.

Submission:

PreventionGenetics, part of Exact Sciences
Classification: Benign for CARD10-related condition. Last evaluated: 2020-02-14. Review status: no assertion criteria provided. Collection method: clinical testing. Allele origin: germline.
Comment: This variant is classified as benign based on ACMG/AMP sequence variant interpretation guidelines (Richards et al. 2015 PMID: 25741868, with internal and published modifications).

NM_014550.4(CARD10):c.63G>A (p.Glu21=)

Gene: CARD10 (caspase recruitment domain family member 10; minus strand). Cytogenetic location: 22q13.1.
Variant type: single nucleotide variant.
Coding change: c.63G>A on transcript NM_014550.4 (MANE Select); coding-DNA position 63, G replaced by A.
Protein change: p.Glu21=; no amino-acid change (glutamic acid 21 retained).
Molecular consequence: synonymous variant.
Genome position (GRCh38, 1-based): chr22:37,519,138, C>T on the plus strand (G>A on the coding strand, the complement: CARD10 is on the minus strand). VCF-style: chr22-37519138-C-T. GRCh37 (hg19) VCF-style: chr22-37915145-C-T.
Identifiers: ClinVar variation 3056855 (VCV003056855.2), dbSNP rs79861380, ClinGen allele CA10220264.